The following is an entry in ClinVar:

ClinVar aggregate classification (germline): Benign (1 of 4 stars; one submission).

Conditions:
Woodhouse-Sakati syndrome. Also called: Hypogonadism, Alopecia, Diabetes Mellitus, Mental Retardation, and Extrapyramidal Syndrome; EXTRAPYRAMIDAL DISORDER, PROGRESSIVE, WITH PRIMARY HYPOGONADISM, MENTAL RETARDATION, AND ALOPECIA; Hypogonadism, diabetes mellitus, alopecia, mental retardation and electrocardiographic abnormalities. Identifiers: Orphanet 3464, MedGen C0342286, MONDO:0009419, OMIM 241080.

Allele frequency attached by ClinVar (database versions not stated): ExAC 0.00084; gnomAD exomes 0.00172 and 0.00297; gnomAD 0.01423 and 0.01517; TOPMed 0.01622; 1000 Genomes Project 0.01977; 1000 Genomes Project 30x 0.02046.
gnomAD v4.1: 2,668 of 448,928 alleles (0.59%); highest among the groups gnomAD compares: African/African-American, 4.9%; 66 homozygotes.

Submissions (2):

Illumina Laboratory Services, Illumina
Classification: Benign for Woodhouse-Sakati syndrome. Last evaluated: 2018-01-13. Review status: criteria provided, single submitter. Criteria: ICSL Variant Classification Criteria 13 December 2019. Collection method: clinical testing. Allele origin: germline.
Comment: This variant was observed in the ICSL laboratory as part of a predisposition screen in an ostensibly healthy population. It had not been previously curated by ICSL or reported in the Human Gene Mutation Database (HGMD: prior to June 1st, 2018), and was therefore a candidate for classification through an automated scoring system. Utilizing variant allele frequency, disease prevalence and penetrance estimates, and inheritance mode, an automated score was calculated to assess if this variant is too frequent to cause the disease. Based on the score and internal cut-off values, a variant classified as benign is not then subjected to further curation. The score for this variant resulted in a classification of benign for this disease.

Dr. Peter K. Rogan Lab, Western University
No classification provided (evidence only). Condition: Ovarian serous cystadenocarcinoma. Review status: no classification provided. Collection method: in vitro. Allele origin: not applicable. Functional consequence: retained intron. Not counted in ClinVar's aggregate classification.

NM_025000.4(DCAF17):c.*1005A>G

Gene: DCAF17 (DDB1 and CUL4 associated factor 17; plus strand). Cytogenetic location: 2q31.1.
Variant type: single nucleotide variant.
Coding change: c.*1005A>G on transcript NM_025000.4 (MANE Select); 1005 bases downstream of the stop codon, A replaced by G.
Molecular consequence: 3 prime UTR variant. On other transcripts: non-coding transcript variant (1).
Genome position (GRCh38, 1-based): chr2:171,482,119, A>G. VCF-style: chr2-171482119-A-G. GRCh37 (hg19) VCF-style: chr2-172338629-A-G.
Other names: NC_000002.11:g.172338629A>G; c.*1005A>G (NM_001164821.2).
Identifiers: ClinVar variation 332284 (VCV000332284.6), dbSNP rs73976168, ClinGen allele CA1965052.